The following is an entry in ClinVar:

NM_016239.4(MYO15A):c.10202G>A (p.Arg3401His)

Gene: MYO15A (myosin XVA; plus strand). Cytogenetic location: 17p11.2.
Variant type: single nucleotide variant.
Coding change: c.10202G>A on transcript NM_016239.4 (MANE Select); coding-DNA position 10202, G replaced by A.
Protein change: p.Arg3401His; replaces arginine 3401 with histidine.
Molecular consequence: missense variant.
Genome position (GRCh38, 1-based): chr17:18,171,757, G>A. VCF-style: chr17-18171757-G-A. GRCh37 (hg19) VCF-style: chr17-18075071-G-A.
Other names: short protein forms R3401H.
Identifiers: ClinVar variation 1187291 (VCV001187291.35), dbSNP rs370278266, ClinGen allele CA8425832.

ClinVar aggregate classification (germline): Conflicting classifications of pathogenicity. Review status: criteria provided, conflicting classifications (1 of 4 stars). 4 submissions from 4 submitters: Likely pathogenic (2); Uncertain significance (2). Last evaluated 2026-08-06.

Conditions:
Monogenic hearing loss.

Allele frequency attached by ClinVar (database versions not stated): ExAC 0.00003; gnomAD exomes 0.00003 and 0.00005; gnomAD 0.00004 and 0.00005; ESP Exome Variant Server 0.00008; 1000 Genomes Project 30x 0.00016; 1000 Genomes Project 0.00020.
gnomAD v4.1: 90 of 1,610,288 alleles (0.0056%); highest among the groups gnomAD compares: East Asian, 0.011%; no homozygotes.

Submissions (4):

GeneDx
Classification: Likely pathogenic. Last evaluated: 2026-08-06. Review status: criteria provided, single submitter. Criteria: GeneDx Variant Classification Process June 2021. Collection method: clinical testing. Allele origin: germline.
Comment: Not observed at significant frequency in large population cohorts (gnomAD); In silico analysis supports that this missense variant has a deleterious effect on protein structure/function; This variant is associated with the following publications: (PMID: 34093702, 30579064, 30953472, 40052343, 35346193, 26969326, 34599366)

North West Genomic Laboratory Hub, Manchester University NHS Foundation Trust
Classification: Likely pathogenic for Monogenic hearing loss. Last evaluated: 2025-02-06. Review status: criteria provided, single submitter. Criteria: ACGS Best Practice Guidelines for Variant Classification in Rare Disease 2024. Collection method: clinical testing. Allele origin: germline. Affected: yes.
Comment: PM2_Mod PM3_Str

Labcorp Genetics (formerly Invitae), Labcorp
Classification: Uncertain significance. Last evaluated: 2024-08-08. Review status: criteria provided, single submitter. Criteria: Invitae Variant Classification Sherloc (09022015). Collection method: clinical testing. Allele origin: germline.
Comment: This sequence change replaces arginine, which is basic and polar, with histidine, which is basic and polar, at codon 3401 of the MYO15A protein (p.Arg3401His). This variant is present in population databases (rs370278266, gnomAD 0.004%). This missense change has been observed in individual(s) with clinical features of nonsyndromic deafness (PMID: 26969326; Invitae). ClinVar contains an entry for this variant (Variation ID: 1187291). Advanced modeling of protein sequence and biophysical properties (such as structural, functional, and spatial information, amino acid conservation, physicochemical variation, residue mobility, and thermodynamic stability) has been performed at Invitae for this missense variant, however the output from this modeling did not meet the statistical confidence thresholds required to predict the impact of this variant on MYO15A protein function. In summary, the available evidence is currently insufficient to determine the role of this variant in disease. Therefore, it has been classified as a Variant of Uncertain Significance.

CeGaT Center for Human Genetics Tuebingen
Classification: Uncertain significance. Last evaluated: 2023-12-01. Review status: criteria provided, single submitter. Criteria: CeGaT Center For Human Genetics Tuebingen Variant Classification Criteria Version 2. Collection method: clinical testing. Allele origin: germline. Affected: yes. Observed: 1 variant allele.
Comment: MYO15A: PM2, PM3

Literature cited by the submitters: PubMed 26969326 (cited by Labcorp Genetics (formerly Invitae), Labcorp).